The following is an entry in ClinVar:

ClinVar aggregate classification (germline): Likely benign (1 of 4 stars; one submission).

Conditions:
RECQL5-related disorder. Also called: RECQL5-related condition.

gnomAD v4.1: 3 of 1,613,138 alleles (0.00019%); highest among the groups gnomAD compares: African/African-American, 0.004%; no homozygotes.

Submission:

PreventionGenetics, part of Exact Sciences
Classification: Likely benign for RECQL5-related condition. Last evaluated: 2025-07-18. Review status: criteria provided, single submitter. Criteria: ACMG Guidelines, 2015. Collection method: clinical testing. Allele origin: germline.
Comment: This variant is classified as likely benign based on ACMG/AMP sequence variant interpretation guidelines (Richards et al. 2015 PMID: 25741868, with internal and published modifications).

NM_004259.7(RECQL5):c.1416G>A (p.Glu472=)

Gene: RECQL5 (RecQ like helicase 5; minus strand). Cytogenetic location: 17q25.1.
Variant type: single nucleotide variant.
Coding change: c.1416G>A on transcript NM_004259.7 (MANE Select); coding-DNA position 1416, G replaced by A.
Protein change: p.Glu472=; no amino-acid change (glutamic acid 472 retained).
Molecular consequence: synonymous variant.
Genome position (GRCh38, 1-based): chr17:75,631,482, C>T on the plus strand (G>A on the coding strand, the complement: RECQL5 is on the minus strand). VCF-style: chr17-75631482-C-T. GRCh37 (hg19) VCF-style: chr17-73627562-C-T.
Identifiers: ClinVar variation 4990614 (VCV004990614.1).